The following is an entry in ClinVar:

ClinVar aggregate classification (germline): Uncertain significance. Review status: criteria provided, multiple submitters, no conflicts (2 of 4 stars). 2 submissions from 2 submitters: Uncertain significance (2). Last evaluated 2024-12-04.

Conditions:
Dyskeratosis congenita, autosomal recessive 5 (DKCB5). Identifiers: MedGen C3554656, MONDO:0014076, OMIM 615190.
Pulmonary fibrosis and/or bone marrow failure, Telomere-related, 3. Also called: PULMONARY FIBROSIS AND/OR BONE MARROW FAILURE SYNDROME, TELOMERE-RELATED, 3. Identifiers: Orphanet 2032, MedGen C4225346, MONDO:0014613, OMIM 616373.
Inborn genetic diseases. Identifiers: MedGen C0950123, MeSH D030342.

Submissions (2):

Ambry Genetics
Classification: Uncertain significance for Inborn genetic diseases. Last evaluated: 2024-12-04. Review status: criteria provided, single submitter. Criteria: Ambry Variant Classification Scheme 2023. Collection method: clinical testing. Allele origin: germline.
Comment: The p.V1098M variant (also known as c.3292G>A), located in coding exon 31 of the RTEL1 gene, results from a G to A substitution at nucleotide position 3292. The valine at codon 1098 is replaced by methionine, an amino acid with highly similar properties. This amino acid position is conserved. In addition, the in silico prediction for this alteration is inconclusive. Based on the available evidence, the clinical significance of this variant remains unclear.

Labcorp Genetics (formerly Invitae), Labcorp
Classification: Uncertain significance for Dyskeratosis congenita, autosomal recessive 5; Pulmonary fibrosis and/or bone marrow failure, Telomere-related, 3. Last evaluated: 2024-09-12. Review status: criteria provided, single submitter. Criteria: Invitae Variant Classification Sherloc (09022015). Collection method: clinical testing. Allele origin: germline.
Comment: This sequence change replaces valine, which is neutral and non-polar, with methionine, which is neutral and non-polar, at codon 1098 of the RTEL1 protein (p.Val1098Met). This variant is not present in population databases (gnomAD no frequency). This variant has not been reported in the literature in individuals affected with RTEL1-related conditions. ClinVar contains an entry for this variant (Variation ID: 1916561). An algorithm developed to predict the effect of missense changes on protein structure and function (PolyPhen-2) suggests that this variant is likely to be disruptive. In summary, the available evidence is currently insufficient to determine the role of this variant in disease. Therefore, it has been classified as a Variant of Uncertain Significance.

NM_001283009.2(RTEL1):c.3292G>A (p.Val1098Met)

Genes: RTEL1 (regulator of telomere elongation helicase 1; plus strand), RTEL1-TNFRSF6B (RTEL1-TNFRSF6B readthrough (NMD candidate); plus strand). Cytogenetic location: 20q13.33.
Variant type: single nucleotide variant.
Coding change: c.3292G>A on transcript NM_001283009.2 (MANE Select); coding-DNA position 3292, G replaced by A.
Protein change: p.Val1098Met; replaces valine 1098 with methionine.
Molecular consequence: missense variant. On other transcripts: non-coding transcript variant (1).
Genome position (GRCh38, 1-based): chr20:63,694,923, G>A. VCF-style: chr20-63694923-G-A. GRCh37 (hg19) VCF-style: chr20-62326276-G-A.
Other names: c.2623G>A, p.Val875Met (NM_001283010.1); c.3292G>A, p.Val1098Met (NM_016434.4); c.3364G>A, p.Val1122Met (NM_032957.5); short protein forms V1098M, V1122M, V875M.
Identifiers: ClinVar variation 1916561 (VCV001916561.5), dbSNP rs1229098524, ClinGen allele CA409685128.
Genomic context (GRCh38, chr20:63,694,923, plus strand): 5'-CAACTCTTGGCAGCGCTGACAGCCTATAAGCAAGACGACGACCTCGACAAGGTGCTGGCT[G>A]TGTTGGCCGCCCTGACCACTGCAAAGCCAGAGGACTTCCCCCTGCTGCACAGCAAGTGGC-3'
Protein context (NP_001269938.1, residues 1088-1108): QDDDLDKVLA[Val1098Met]LAALTTAKPE